The following is an entry in ClinVar:

ClinVar aggregate classification (germline): Uncertain significance. Review status: criteria provided, multiple submitters, no conflicts (2 of 4 stars). 2 submissions from 2 submitters: Uncertain significance (2). Last evaluated 2023-05-29.

Conditions:
Amyotrophic lateral sclerosis type 4 (ALS4). Also called: AMYOTROPHIC LATERAL SCLEROSIS 4, JUVENILE; NEURONOPATHY, DISTAL HEREDITARY MOTOR, WITH PYRAMIDAL FEATURES. Identifiers: Orphanet 357043, MedGen C1865409, MONDO:0011223, OMIM 602433.
Spinocerebellar ataxia, autosomal recessive, with axonal neuropathy 2 (SCAN2). Also called: ATAXIA-OCULOMOTOR APRAXIA 2; Ataxia with Oculomotor Apraxia Type 2; Ataxia-ocular apraxia-2; Ataxia with Oculomotor Apraxia. Identifiers: Orphanet 64753, MedGen C1853761, MONDO:0018996, OMIM 606002.
SETX-related disorder. Also called: SETX-related condition; SETX-related disorders. Identifiers: MedGen CN239403.

Submissions (2):

PreventionGenetics, part of Exact Sciences
Classification: Uncertain significance for SETX-related condition. Last evaluated: 2023-05-29. Review status: criteria provided, single submitter. Criteria: ACMG Guidelines, 2015. Collection method: clinical testing. Allele origin: germline.
Comment: The SETX c.2878A>G variant is predicted to result in the amino acid substitution p.Arg960Gly. To our knowledge, this variant has not been reported in the literature or in a large population database, indicating this variant is rare. At this time, the clinical significance of this variant is uncertain due to the absence of conclusive functional and genetic evidence.

Labcorp Genetics (formerly Invitae), Labcorp
Classification: Uncertain significance for Amyotrophic lateral sclerosis type 4; Spinocerebellar ataxia, autosomal recessive, with axonal neuropathy 2. Last evaluated: 2022-12-13. Review status: criteria provided, single submitter. Criteria: Invitae Variant Classification Sherloc (09022015). Collection method: clinical testing. Allele origin: germline.
Comment: This sequence change replaces arginine, which is basic and polar, with glycine, which is neutral and non-polar, at codon 960 of the SETX protein (p.Arg960Gly). This variant is not present in population databases (gnomAD no frequency). This variant has not been reported in the literature in individuals affected with SETX-related conditions. Advanced modeling of protein sequence and biophysical properties (such as structural, functional, and spatial information, amino acid conservation, physicochemical variation, residue mobility, and thermodynamic stability) performed at Invitae indicates that this missense variant is not expected to disrupt SETX protein function. In summary, the available evidence is currently insufficient to determine the role of this variant in disease. Therefore, it has been classified as a Variant of Uncertain Significance.

NM_015046.7(SETX):c.2878A>G (p.Arg960Gly)

Gene: SETX (senataxin; minus strand). Cytogenetic location: 9q34.13.
Variant type: single nucleotide variant.
Coding change: c.2878A>G on transcript NM_015046.7 (MANE Select); coding-DNA position 2878, A replaced by G.
Protein change: p.Arg960Gly; replaces arginine 960 with glycine.
Molecular consequence: missense variant.
Genome position (GRCh38, 1-based): chr9:132,328,720, T>C on the plus strand (A>G on the coding strand, the complement: SETX is on the minus strand). VCF-style: chr9-132328720-T-C. GRCh37 (hg19) VCF-style: chr9-135204107-T-C.
Other names: c.2878A>G, p.Arg960Gly (NM_001351527.2, NM_001351528.2); short protein forms R960G.
Identifiers: ClinVar variation 2632830 (VCV002632830.4), dbSNP rs2539116396, ClinGen allele CA375333395.